The following is an entry in ClinVar:

NM_003560.4(PLA2G6):c.562A>G (p.Thr188Ala)

Gene: PLA2G6 (phospholipase A2 group VI; minus strand). Cytogenetic location: 22q13.1.
Variant type: single nucleotide variant.
Coding change: c.562A>G on transcript NM_003560.4 (MANE Select); coding-DNA position 562, A replaced by G.
Protein change: p.Thr188Ala; replaces threonine 188 with alanine.
Molecular consequence: missense variant. On other transcripts: synonymous variant (1).
Genome position (GRCh38, 1-based): chr22:38,143,152, T>C on the plus strand (A>G on the coding strand, the complement: PLA2G6 is on the minus strand). VCF-style: chr22-38143152-T-C. GRCh37 (hg19) VCF-style: chr22-38539159-T-C.
Other names: c.562A>G, p.Thr188Ala (NM_001004426.3, NM_001199562.3, NM_001349864.2 and 2 more transcripts); c.28A>G, p.Thr10Ala (NM_001349867.2, NM_001349869.2); c.72A>G, p.Arg24= (NM_001349868.2); short protein forms T10A, T188A.
Identifiers: ClinVar variation 1805240 (VCV001805240.2), dbSNP rs2518056033, ClinGen allele CA411531761.

ClinVar aggregate classification (germline): Uncertain significance (1 of 4 stars; one submission).

Conditions:
Infantile neuroaxonal dystrophy (NBIA2A). Also called: NEURODEGENERATION WITH BRAIN IRON ACCUMULATION 2A; SEITELBERGER DISEASE; Infantile neuroaxonal dystrophy 1. Identifiers: Orphanet 35069, MedGen C0270724, MONDO:0024457, OMIM 256600.

Submission:

Victorian Clinical Genetics Services, Murdoch Childrens Research Institute
Classification: Uncertain significance for Infantile neuroaxonal dystrophy. Last evaluated: 2023-07-16. Review status: criteria provided, single submitter. Criteria: ACMG Guidelines, 2015. Collection method: clinical testing. Allele origin: germline. Inheritance: Autosomal recessive inheritance. Affected: yes.
Comment: Based on the classification scheme VCGS_Germline_v1.3.4, this variant is classified as VUS-3A. Following criteria are met: 0103 - Loss of function and gain of function are known mechanisms of disease in this gene. Loss of function is associated with infantile neuroaxonal dystrophy 1 (MIM#256600) and neurodegeneration and brain iron accumulation 2B (MIM#610217), while gain of function is associated with Parkinson disease 14 (MIM#617953). (I) 0106 - This gene is associated with autosomal recessive disease. (I) 0200 - Variant is predicted to result in a missense amino acid change from threonine to alanine. (I) 0252 - This variant is homozygous. (I) 0301 - Variant is absent from gnomAD (both v2 and v3). (SP) 0502 - Missense variant with conflicting in silico predictions and uninformative conservation. (I) 0600 - Variant is located in the annotated ankyrin repeat domain (NCBI, Uniprot). (I) 0705 - No comparable missense variants have previous evidence for pathogenicity. (I) 0807 - This variant has no previous evidence of pathogenicity. (I) 0905 - No published segregation evidence has been identified for this variant. (I) 1007 - No published functional evidence has been identified for this variant. (I) 1101 - Very strong and specific phenotype match for this individual. (SP) 1209 - This variant has been shown to be both maternally and paternally inherited (biallelic). (I) Legend: (SP) - Supporting pathogenic, (I) - Information, (SB) - Supporting benign